The following is an entry in ClinVar:

ClinVar aggregate classification (germline): Uncertain significance (1 of 4 stars; one submission).

gnomAD v4.1: 48 of 1,610,048 alleles (0.003%); highest among the groups gnomAD compares: African/African-American, 0.008%; no homozygotes.

Submission:

Labcorp Genetics (formerly Invitae), Labcorp
Classification: Uncertain significance. Last evaluated: 2025-11-27. Review status: criteria provided, single submitter. Criteria: Invitae Variant Classification Sherloc (09022015). Collection method: clinical testing. Allele origin: germline.
Comment: This sequence change replaces arginine, which is basic and polar, with cysteine, which is neutral and slightly polar, at codon 188 of the COQ8B protein (p.Arg188Cys). This variant is present in population databases (rs758303807, gnomAD 0.007%). This variant has not been reported in the literature in individuals affected with COQ8B-related conditions. Invitae Evidence Modeling of protein sequence and biophysical properties (such as structural, functional, and spatial information, amino acid conservation, physicochemical variation, residue mobility, and thermodynamic stability) indicates that this missense variant is not expected to disrupt COQ8B protein function with a negative predictive value of 80%. In summary, the available evidence is currently insufficient to determine the role of this variant in disease. Therefore, it has been classified as a Variant of Uncertain Significance.

NM_024876.4(COQ8B):c.562C>T (p.Arg188Cys)

Gene: COQ8B (coenzyme Q8B; minus strand). Cytogenetic location: 19q13.2.
Variant type: single nucleotide variant.
Coding change: c.562C>T on transcript NM_024876.4 (MANE Select); coding-DNA position 562, C replaced by T.
Protein change: p.Arg188Cys; replaces arginine 188 with cysteine.
Molecular consequence: missense variant.
Genome position (GRCh38, 1-based): chr19:40,705,110, G>A on the plus strand (C>T on the coding strand, the complement: COQ8B is on the minus strand). VCF-style: chr19-40705110-G-A. GRCh37 (hg19) VCF-style: chr19-41211015-G-A.
Other names: c.439C>T, p.Arg147Cys (NM_001142555.3); short protein forms R188C, R147C.
Identifiers: ClinVar variation 4700647 (VCV004700647.1).
Genomic context (GRCh38, chr19:40,705,110, plus strand): 5'-AGATGGAGCCTGCCTCCCTCACCGCCCTCCCCCACTGGGCACTCACCAGCATCTGCCAGC[G>A]GGGCATGAAGTCGGCGCTCTGGCGGACCCGCTCAAAGATGTGCTGCAGCTGAGGGCTGAT-3'
Protein context (NP_079152.3, residues 178-198): RVRQSADFMP[Arg188Cys]WQMLRVLEEE